The following is an entry in ClinVar:

ClinVar aggregate classification (germline): Conflicting classifications of pathogenicity. Review status: criteria provided, conflicting classifications (1 of 4 stars). 5 submissions from 5 submitters: Uncertain significance (1); Likely benign (4). Last evaluated 2025-12-14.

Conditions:
Spastic paraplegia. Identifiers: MedGen C0037772, HP:0001258.
Hereditary spastic paraplegia 15 (SPG15). Also called: KJELLIN SYNDROME; SPASTIC PARAPLEGIA AND RETINAL DEGENERATION; SPASTIC PARAPLEGIA 15, AUTOSOMAL RECESSIVE. Identifiers: Orphanet 100996, MedGen C1849128, MONDO:0010044, OMIM 270700.

Allele frequency attached by ClinVar (database versions not stated): ExAC 0.00003; gnomAD exomes 0.00005; gnomAD 0.00006 and 0.00009; TOPMed 0.00009; 1000 Genomes Project 30x 0.00016; 1000 Genomes Project 0.00020.
gnomAD v4.1: 65 of 1,614,148 alleles (0.004%); highest among the groups gnomAD compares: East Asian, 0.051%; no homozygotes.

Submissions (5):

Labcorp Genetics (formerly Invitae), Labcorp
Classification: Likely benign for Spastic paraplegia. Last evaluated: 2025-12-14. Review status: criteria provided, single submitter. Criteria: Invitae Variant Classification Sherloc (09022015). Collection method: clinical testing. Allele origin: germline.

Women's Health and Genetics/Laboratory Corporation of America, LabCorp
Classification: Likely benign. Last evaluated: 2025-05-03. Review status: criteria provided, single submitter. Criteria: LabCorp Variant Classification Summary - May 2015. Collection method: clinical testing. Allele origin: germline.

Blueprint Genetics
Classification: Likely benign. Last evaluated: 2024-10-28. Review status: criteria provided, single submitter. Criteria: ACMG Guidelines, 2015. Collection method: clinical testing. Allele origin: germline.

CeGaT Center for Human Genetics Tuebingen
Classification: Likely benign. Last evaluated: 2023-02-01. Review status: criteria provided, single submitter. Criteria: CeGaT Center For Human Genetics Tuebingen Variant Classification Criteria Version 2. Collection method: clinical testing. Allele origin: germline. Affected: yes. Observed: 1 variant allele.
Comment: ZFYVE26: BP4, BP7

Illumina Laboratory Services, Illumina
Classification: Uncertain significance for Hereditary spastic paraplegia 15. Last evaluated: 2018-01-12. Review status: criteria provided, single submitter. Criteria: ICSL Variant Classification Criteria 13 December 2019. Collection method: clinical testing. Allele origin: germline.

NM_015346.4(ZFYVE26):c.2859A>T (p.Leu953=)

Gene: ZFYVE26 (zinc finger FYVE-type containing 26; minus strand). Cytogenetic location: 14q24.1.
Variant type: single nucleotide variant.
Coding change: c.2859A>T on transcript NM_015346.4 (MANE Select); coding-DNA position 2859, A replaced by T.
Protein change: p.Leu953=; no amino-acid change (leucine 953 retained).
Molecular consequence: synonymous variant.
Genome position (GRCh38, 1-based): chr14:67,789,495, T>A on the plus strand (A>T on the coding strand, the complement: ZFYVE26 is on the minus strand). VCF-style: chr14-67789495-T-A. GRCh37 (hg19) VCF-style: chr14-68256212-T-A.
Identifiers: ClinVar variation 313907 (VCV000313907.40), dbSNP rs189616103, ClinGen allele CA7240154.